The following is an entry in ClinVar:

NM_001012720.2(RGR):c.680A>G (p.Tyr227Cys)

Gene: RGR (retinal G protein coupled receptor; plus strand). Cytogenetic location: 10q23.1.
Variant type: single nucleotide variant.
Coding change: c.680A>G on transcript NM_001012720.2 (MANE Select); coding-DNA position 680, A replaced by G.
Protein change: p.Tyr227Cys; replaces tyrosine 227 with cysteine.
Molecular consequence: missense variant. On other transcripts: intron variant (1).
Genome position (GRCh38, 1-based): chr10:84,257,942, A>G. VCF-style: chr10-84257942-A-G. GRCh37 (hg19) VCF-style: chr10-86017698-A-G.
Other names: c.692A>G, p.Tyr231Cys (NM_002921.4); c.631-566A>G (NM_001012722.2); short protein forms Y227C, Y231C.
Identifiers: ClinVar variation 2005308 (VCV002005308.4), dbSNP rs772430451, ClinGen allele CA5581543.

ClinVar aggregate classification (germline): Uncertain significance (1 of 4 stars; one submission).

Allele frequency attached by ClinVar (database versions not stated): TOPMed 0.00001; gnomAD exomes 0.00001; gnomAD 0.00001; ExAC 0.00001.
gnomAD v4.1: 11 of 1,614,034 alleles (0.00068%); highest among the groups gnomAD compares: South Asian, 0.0055%; no homozygotes.

Submission:

Labcorp Genetics (formerly Invitae), Labcorp
Classification: Uncertain significance. Last evaluated: 2025-04-21. Review status: criteria provided, single submitter. Criteria: Invitae Variant Classification Sherloc (09022015). Collection method: clinical testing. Allele origin: germline.
Comment: This sequence change replaces tyrosine, which is neutral and polar, with cysteine, which is neutral and slightly polar, at codon 227 of the RGR protein (p.Tyr227Cys). This variant is present in population databases (rs772430451, gnomAD 0.003%). This variant has not been reported in the literature in individuals affected with RGR-related conditions. ClinVar contains an entry for this variant (Variation ID: 2005308). Experimental studies and prediction algorithms are not available or were not evaluated, and the functional significance of this variant is currently unknown. In summary, the available evidence is currently insufficient to determine the role of this variant in disease. Therefore, it has been classified as a Variant of Uncertain Significance.